The following is an entry in ClinVar:

ClinVar aggregate classification (germline): Pathogenic/Likely pathogenic. Review status: criteria provided, multiple submitters, no conflicts (2 of 4 stars). 9 submissions from 9 submitters: Pathogenic (4); Likely pathogenic (4). 1 of the submissions does not count toward it. Last evaluated 2025-08-25.

Conditions:
Autosomal recessive limb-girdle muscular dystrophy type 2A (LGMDR1). Also called: Muscular dystrophy, limb-girdle, type 2A, Amish; MUSCULAR DYSTROPHY, PELVOFEMORAL; Calpainopathy; Limb-girdle muscular dystrophy, type 2A; LEYDEN-MOEBIUS MUSCULAR DYSTROPHY. Identifiers: Orphanet 267, MedGen C1869123, MONDO:0009675, OMIM 253600. Disease mechanism: loss of function.
Muscular dystrophy, limb-girdle, autosomal dominant 4. Also called: Calpain-3-related limb-girdle muscular dystrophy D4; MUSCULAR DYSTROPHY, LIMB-GIRDLE, TYPE 1I. Identifiers: Orphanet 565909, MedGen C4748295, MONDO:0029133, OMIM 618129.

Allele frequency attached by ClinVar (database versions not stated): TOPMed 0.00001; ExAC 0.00002; gnomAD 0.00003; 1000 Genomes Project 30x 0.00016; 1000 Genomes Project 0.00020.
gnomAD v4.1: 24 of 1,614,010 alleles (0.0015%); highest among the groups gnomAD compares: East Asian, 0.0067%; no homozygotes.

Submissions (9):

Natera, Inc.
Classification: Pathogenic for Limb-girdle muscular dystrophy type 2A. Last evaluated: 2025-08-25. Review status: criteria provided, single submitter. Criteria: Natera Variant Classification Schema (03/2026). Collection method: clinical testing. Allele origin: germline.
Comment: The c.1477C>T variant in CAPN3 is a missense variant predicted to cause substitution of arginine to tryptophan at amino acid 493. This variant is rare in the general population with a frequency below the threshold expected for the associated phenotype(s). This variant has been observed in one or more individuals affected with the associated recessive disease, as either homozygous or compound heterozygous with a second variant (PMID: 30564623, 25079074, 19556129, 18073330, 18055493, 15689361). Computational prediction algorithms indicate this variant is likely to affect gene or protein function. Given the available evidence, this variant is classified as Pathogenic.

Labcorp Genetics (formerly Invitae), Labcorp
Classification: Pathogenic for Autosomal recessive limb-girdle muscular dystrophy type 2A. Last evaluated: 2025-01-27. Review status: criteria provided, single submitter. Criteria: Invitae Variant Classification Sherloc (09022015). Collection method: clinical testing. Allele origin: germline.
Comment: This sequence change replaces arginine, which is basic and polar, with tryptophan, which is neutral and slightly polar, at codon 493 of the CAPN3 protein (p.Arg493Trp). This variant is present in population databases (rs557164942, gnomAD 0.01%). This missense change has been observed in individuals with autosomal recessive limb-girdle muscular dystrophy (PMID: 10330340, 17236769, 18073330, 18334579, 25079074). ClinVar contains an entry for this variant (Variation ID: 193792). Invitae Evidence Modeling of protein sequence and biophysical properties (such as structural, functional, and spatial information, amino acid conservation, physicochemical variation, residue mobility, and thermodynamic stability) indicates that this missense variant is expected to disrupt CAPN3 protein function with a positive predictive value of 80%. For these reasons, this variant has been classified as Pathogenic.

Fulgent Genetics
Classification: Likely pathogenic for Autosomal recessive limb-girdle muscular dystrophy type 2A; Muscular dystrophy, limb-girdle, autosomal dominant 4. Last evaluated: 2024-04-04. Review status: criteria provided, single submitter. Criteria: ACMG Guidelines, 2015. Collection method: clinical testing. Allele origin: germline.

Baylor Genetics
Classification: Pathogenic for Muscular dystrophy, limb-girdle, autosomal dominant 4. Last evaluated: 2024-03-27. Review status: criteria provided, single submitter. Criteria: ACMG Guidelines, 2015. Collection method: clinical testing. Allele origin: unknown.

Athena Diagnostics
Classification: Pathogenic. Last evaluated: 2022-08-02. Review status: criteria provided, single submitter. Criteria: Athena Diagnostics Criteria. Collection method: clinical testing. Allele origin: unknown.
Comment: The frequency of this variant in the general population is consistent with pathogenicity. In multiple individuals with LGMD, this variant has been seen with a single recessive pathogenic variant in the same gene, suggesting this variant may also be pathogenic. Computational tools predict that this variant is damaging.

Revvity Omics, Revvity
Classification: Likely pathogenic. Last evaluated: 2021-04-27. Review status: criteria provided, single submitter. Criteria: ACMG Guidelines, 2015. Collection method: clinical testing. Allele origin: germline.

Eurofins Ntd Llc (ga)
Classification: Likely pathogenic. Last evaluated: 2016-08-18. Review status: criteria provided, single submitter. Criteria: EGL Classification Definitions. Collection method: clinical testing. Allele origin: germline. Observed: 4 variant alleles, 4 heterozygotes.

Neuberg Centre For Genomic Medicine, NCGM
Classification: Likely pathogenic for Autosomal recessive limb-girdle muscular dystrophy type 2A. Review status: criteria provided, single submitter. Criteria: ACMG Guidelines, 2015. Collection method: clinical testing. Allele origin: germline. Inheritance: Autosomal recessive inheritance. Affected: yes.
Comment: The CAPN3 c.1477C>T variant has been reported in individuals affected with Muscular dystrophy, limb-girdle, autosomal recessive 1 (Nilsson et. al., 2014; Benayoun et. al., 2008). The p.Arg493Trp variant is novel (not in any individuals) in 1000 Genomes and has allele frequency of 0.002832% in gnomAD database. This variant has been reported to the ClinVar database as Pathogenic/Likely Pathogenic. Algorithms developed to predict the effect of missense changes on protein structure and function are either unavailable or do not agree on the potential impact of this missense change (SIFT: Deleterious; PolyPhen2: Probably Damaging; Align-GVGD: Class C0). In summary, the currently available evidence indicates that the variant is pathogenic, but additional data are needed to prove that conclusively. The amino acid Arg at position 493 is changed to a Trp changing protein sequence and it might alter its composition and physico-chemical properties. For these reasons, this variant has been classified as Likely Pathogenic.

Counsyl
Classification: Likely pathogenic for Autosomal recessive limb-girdle muscular dystrophy type 2A. Last evaluated: 2017-05-31. Review status: no assertion criteria provided. Collection method: clinical testing. Allele origin: unknown. Not counted in ClinVar's aggregate classification.

Literature cited by the submitters: PubMed 30564623 (cited by Natera, Inc.); PubMed 25079074 (cited by 4 submitters); PubMed 19556129 (cited by Natera, Inc.); PubMed 18073330 (cited by 3 submitters); PubMed 18055493 (cited by 3 submitters); PubMed 15689361 (cited by Natera, Inc.); PubMed 10330340 (cited by 3 submitters); PubMed 17236769 (cited by 3 submitters); PubMed 18334579 (cited by Labcorp Genetics (formerly Invitae), Labcorp and Athena Diagnostics); PubMed 27363342 (cited by Athena Diagnostics and Counsyl).

NM_000070.3(CAPN3):c.1477C>T (p.Arg493Trp)

Gene: CAPN3 (calpain 3; plus strand). Cytogenetic location: 15q15.1.
Variant type: single nucleotide variant.
Coding change: c.1477C>T on transcript NM_000070.3 (MANE Select); coding-DNA position 1477, C replaced by T.
Protein change: p.Arg493Trp; replaces arginine 493 with tryptophan.
Molecular consequence: missense variant.
Genome position (GRCh38, 1-based): chr15:42,401,763, C>T. VCF-style: chr15-42401763-C-T. GRCh37 (hg19) VCF-style: chr15-42693961-C-T.
Other names: c.1477C>T, p.Arg493Trp (NM_024344.2); c.1333C>T, p.Arg445Trp (NM_173087.2); short protein forms R493W, R445W.
Identifiers: ClinVar variation 193792 (VCV000193792.24), dbSNP rs557164942, ClinGen allele CA239448.
Genomic context (GRCh38, chr15:42,401,763, plus strand): 5'-GACTCGGAGGTGATTTGCAGCTTCCTGGTGGCCCTGATGCAGAAGAACCGGCGGAAGGAC[C>T]GGAAGCTAGGGGCCAGTCTCTTCACCATTGGCTTCGCCATCTACGAGGTGTGCAGTCCTG-3'
Protein context (NP_000061.1, residues 483-503): ALMQKNRRKD[Arg493Trp]KLGASLFTIG